The following is an entry in ClinVar:

ClinVar aggregate classification (germline): Likely benign. Review status: criteria provided, single submitter (1 of 4 stars). 2 submissions from 2 submitters: Likely benign (1). 1 of the submissions does not count toward it. Last evaluated 2024-10-30.

Conditions:
Cohen syndrome (COH1). Also called: Cutis verticis gyrata, retinitis pigmentosa, and sensorineural deafness; PEPPER SYNDROME. Identifiers: Orphanet 193, MedGen C0265223, MONDO:0008999, OMIM 216550.
VPS13B-related disorder. Also called: VPS13B-related condition.

gnomAD v4.1: 107 of 1,614,078 alleles (0.0066%); highest among the groups gnomAD compares: Non-Finnish European, 0.0086%; no homozygotes.

Submissions (2):

Labcorp Genetics (formerly Invitae), Labcorp
Classification: Likely benign for Cohen syndrome. Last evaluated: 2024-10-30. Review status: criteria provided, single submitter. Criteria: Invitae Variant Classification Sherloc (09022015). Collection method: clinical testing. Allele origin: germline.

PreventionGenetics, part of Exact Sciences
Classification: Likely benign for VPS13B-related condition. Last evaluated: 2022-11-01. Review status: no assertion criteria provided. Collection method: clinical testing. Allele origin: germline. Not counted in ClinVar's aggregate classification.
Comment: This variant is classified as likely benign based on ACMG/AMP sequence variant interpretation guidelines (Richards et al. 2015 PMID: 25741868, with internal and published modifications).

NM_152564.5(VPS13B):c.11619G>A (p.Val3873=)

Gene: VPS13B (vacuolar protein sorting 13 homolog B; plus strand). Cytogenetic location: 8q22.2.
Variant type: single nucleotide variant.
Coding change: c.11619G>A on transcript NM_152564.5 (MANE Select); coding-DNA position 11619, G replaced by A.
Protein change: p.Val3873=; no amino-acid change (valine 3873 retained).
Molecular consequence: synonymous variant.
Genome position (GRCh38, 1-based): chr8:99,871,571, G>A. VCF-style: chr8-99871571-G-A. GRCh37 (hg19) VCF-style: chr8-100883799-G-A.
Other names: c.11694G>A, p.Val3898= (NM_017890.5); c.11619G>A (NM_152564.4).
Identifiers: ClinVar variation 1120333 (VCV001120333.11), dbSNP rs113454700, ClinGen allele CA4825288.